The following is an entry in ClinVar:

ClinVar aggregate classification (germline): Uncertain significance (0 of 4 stars; one submission).

Allele frequency attached by ClinVar (database versions not stated): gnomAD exomes below 0.00001.
gnomAD v4.1: 3 of 1,614,106 alleles (0.00019%); highest among the groups gnomAD compares: South Asian, 0.0011%; no homozygotes.

Submission:

Department of Pathology and Laboratory Medicine, Sinai Health System
Classification: Uncertain significance. Review status: no assertion criteria provided. Collection method: clinical testing. Allele origin: unknown. Affected: yes. Study: The Canadian Open Genetics Repository (COGR).
Comment: The PPARG p.Gln271Arg variant was not identified in the literature nor was it identified in dbSNP, ClinVar, Cosmic, LOVD 3.0 or in the following control databases: the 1000 Genomes Project, the NHLBI GO Exome Sequencing Project, the Exome Aggregation Consortium (August 8th 2016), or the Genome Aggregation Database (Feb 27, 2017).The p.Gln271 residue is conserved in mammals and computational analyses (PolyPhen-2, SIFT, AlignGVGD, BLOSUM, MutationTaster) provide inconsistent predictions regarding the impact to the protein; this information is not very predictive of pathogenicity. The variant occurs outside of the splicing consensus sequence however in silico or computational prediction software programs (SpliceSiteFinder, MaxEntScan, NNSPLICE, GeneSplicer) predict a greater than 10% difference in splicing. However, this information is not predictive enough to assume pathogenicity. In summary, based on the above information the clinical significance of this variant cannot be determined with certainty at this time. This variant is classified as a variant of uncertain significance.

NM_138711.6(PPARG):c.806A>G (p.Gln269Arg)

Gene: PPARG (peroxisome proliferator activated receptor gamma; plus strand). Cytogenetic location: 3p25.2.
Variant type: single nucleotide variant.
Coding change: c.806A>G on transcript NM_138711.6 (MANE Select); coding-DNA position 806, A replaced by G.
Protein change: p.Gln269Arg; replaces glutamine 269 with arginine.
Molecular consequence: missense variant. On other transcripts: intron variant (5).
Genome position (GRCh38, 1-based): chr3:12,416,780, A>G. VCF-style: chr3-12416780-A-G. GRCh37 (hg19) VCF-style: chr3-12458279-A-G.
Other names: c.729+10699A>G (NM_001330615.4, NM_001374261.3, NM_001374262.3); c.653+10781A>G (NM_001374266.1); c.819+10699A>G (NM_001374265.1); c.806A>G, p.Gln269Arg (NM_001354666.3, NM_001354667.3, NM_001374263.2 and 3 more transcripts); c.179A>G, p.Gln60Arg (NM_001354669.2); c.896A>G, p.Gln299Arg (NM_015869.5); short protein forms Q269R, Q299R, Q60R.
Identifiers: ClinVar variation 1049745 (VCV001049745.1), dbSNP rs2125284211, ClinGen allele CA351619266.
Genomic context (GRCh38, chr3:12,416,780, plus strand): 5'-ACATGAATTCCTTAATGATGGGAGAAGATAAAATCAAGTTCAAACACATCACCCCCCTGC[A>G]GGAGCAGAGCAAAGAGGTGGCCATCCGCATCTTTCAGGGCTGCCAGTTTCGCTCCGTGGA-3'
Protein context (NP_619725.3, residues 259-279): KIKFKHITPL[Gln269Arg]EQSKEVAIRI